The following is an entry in ClinVar:

ClinVar aggregate classification (germline): Uncertain significance (1 of 4 stars; one submission).

gnomAD v4.1: 2 of 1,607,244 alleles (0.00012%); highest among the groups gnomAD compares: Non-Finnish European, 0.00017%; no homozygotes.

Submission:

Ambry Genetics
Classification: Uncertain significance. Last evaluated: 2024-11-15. Review status: criteria provided, single submitter. Criteria: Ambry Variant Classification Scheme 2023. Collection method: clinical testing. Allele origin: germline.
Comment: The p.T1867I variant (also known as c.5600C>T), located in coding exon 16 of the POLQ gene, results from a C to T substitution at nucleotide position 5600. The threonine at codon 1867 is replaced by isoleucine, an amino acid with similar properties. This amino acid position is conserved. In addition, this alteration is predicted to be tolerated by in silico analysis. Based on the available evidence, the clinical significance of this variant remains unclear.

NM_199420.4(POLQ):c.5600C>T (p.Thr1867Ile)

Gene: POLQ (DNA polymerase theta; minus strand). Cytogenetic location: 3q13.33.
Variant type: single nucleotide variant.
Coding change: c.5600C>T on transcript NM_199420.4 (MANE Select); coding-DNA position 5600, C replaced by T.
Protein change: p.Thr1867Ile; replaces threonine 1867 with isoleucine.
Molecular consequence: missense variant.
Genome position (GRCh38, 1-based): chr3:121,487,331, G>A on the plus strand (C>T on the coding strand, the complement: POLQ is on the minus strand). VCF-style: chr3-121487331-G-A. GRCh37 (hg19) VCF-style: chr3-121206178-G-A.
Other names: short protein forms T1867I.
Identifiers: ClinVar variation 3422664 (VCV003422664.1).